The following is an entry in ClinVar:

NM_000094.4(COL7A1):c.7981A>T (p.Met2661Leu)

Gene: COL7A1 (collagen type VII alpha 1 chain; minus strand). Cytogenetic location: 3p21.31.
Variant type: single nucleotide variant.
Coding change: c.7981A>T on transcript NM_000094.4 (MANE Select); coding-DNA position 7981, A replaced by T.
Protein change: p.Met2661Leu; replaces methionine 2661 with leucine.
Molecular consequence: missense variant.
Genome position (GRCh38, 1-based): chr3:48,567,712, T>A on the plus strand (A>T on the coding strand, the complement: COL7A1 is on the minus strand). VCF-style: chr3-48567712-T-A. GRCh37 (hg19) VCF-style: chr3-48605145-T-A.
Other names: short protein forms M2661L.
Identifiers: ClinVar variation 1522627 (VCV001522627.5), dbSNP rs1356408238, ClinGen allele CA352641221.

ClinVar aggregate classification (germline): Uncertain significance (1 of 4 stars; one submission).

Allele frequency attached by ClinVar (database versions not stated): gnomAD exomes below 0.00001 and 0.00002; gnomAD 0.00001; TOPMed 0.00001.
gnomAD v4.1: 34 of 1,613,684 alleles (0.0021%); highest among the groups gnomAD compares: Non-Finnish European, 0.0027%; no homozygotes.

Submission:

Labcorp Genetics (formerly Invitae), Labcorp
Classification: Uncertain significance. Last evaluated: 2021-09-24. Review status: criteria provided, single submitter. Criteria: Invitae Variant Classification Sherloc (09022015). Collection method: clinical testing. Allele origin: germline.
Comment: This sequence change replaces methionine with leucine at codon 2661 of the COL7A1 protein (p.Met2661Leu). The methionine residue is weakly conserved and there is a small physicochemical difference between methionine and leucine. This variant is not present in population databases (ExAC no frequency). This variant has not been reported in the literature in individuals with COL7A1-related disease. Algorithms developed to predict the effect of missense changes on protein structure and function output the following: SIFT: "Tolerated"; PolyPhen-2: "Benign"; Align-GVGD: "Class C0". The leucine amino acid residue is found in multiple mammalian species, suggesting that this missense change does not adversely affect protein function. These predictions have not been confirmed by published functional studies and their clinical significance is uncertain. In summary, the available evidence is currently insufficient to determine the role of this variant in disease. Therefore, it has been classified as a Variant of Uncertain Significance.